The following is an entry in ClinVar:

ClinVar aggregate classification (germline): Benign/Likely benign. Review status: criteria provided, multiple submitters, no conflicts (2 of 4 stars). 5 submissions from 5 submitters: Benign (2); Likely benign (3). Last evaluated 2024-09-30.

Conditions:
Intellectual disability-microcephaly-strabismus-behavioral abnormalities syndrome. Also called: White-Sutton Syndrome. Identifiers: Orphanet 468678, MedGen C4225351, MONDO:0014606, OMIM 616364.
Inborn genetic diseases. Identifiers: MedGen C0950123, MeSH D030342.

Allele frequency attached by ClinVar (database versions not stated): TOPMed 0.00004; gnomAD 0.00025; gnomAD exomes 0.00034 and 0.00078; ExAC 0.00148; 1000 Genomes Project 30x 0.00156; 1000 Genomes Project 0.00160.
gnomAD v4.1: 529 of 1,579,530 alleles (0.033%); highest among the groups gnomAD compares: South Asian, 0.57%; 4 homozygotes.

Submissions (5):

Blueprint Genetics
Classification: Likely benign. Last evaluated: 2024-09-30. Review status: criteria provided, single submitter. Criteria: ACMG Guidelines, 2015. Collection method: clinical testing. Allele origin: germline.

Genome-Nilou Lab
Classification: Likely benign for Intellectual disability-microcephaly-strabismus-behavioral abnormalities syndrome. Last evaluated: 2023-04-11. Review status: criteria provided, single submitter. Criteria: ACMG Guidelines, 2015. Collection method: clinical testing. Allele origin: germline. Affected: no.

CeGaT Center for Human Genetics Tuebingen
Classification: Benign. Last evaluated: 2022-07-01. Review status: criteria provided, single submitter. Criteria: CeGaT Center For Human Genetics Tuebingen Variant Classification Criteria Version 2. Collection method: clinical testing. Allele origin: germline. Affected: yes. Observed: 1 variant allele.
Comment: POGZ: BS1, BS2

GeneDx
Classification: Benign. Last evaluated: 2021-05-19. Review status: criteria provided, single submitter. Criteria: GeneDx Variant Classification Process June 2021. Collection method: clinical testing. Allele origin: germline. Affected: yes.

Ambry Genetics
Classification: Likely benign for Inborn genetic diseases. Last evaluated: 2018-10-16. Review status: criteria provided, single submitter. Criteria: Ambry Variant Classification Scheme 2023. Collection method: clinical testing. Allele origin: germline.

NM_015100.4(POGZ):c.1104C>T (p.Asp368=)

Gene: POGZ (pogo transposable element derived with ZNF domain; minus strand). Cytogenetic location: 1q21.3.
Variant type: single nucleotide variant.
Coding change: c.1104C>T on transcript NM_015100.4 (MANE Select); coding-DNA position 1104, C replaced by T.
Protein change: p.Asp368=; no amino-acid change (aspartic acid 368 retained).
Molecular consequence: synonymous variant.
Genome position (GRCh38, 1-based): chr1:151,425,036, G>A on the plus strand (C>T on the coding strand, the complement: POGZ is on the minus strand). VCF-style: chr1-151425036-G-A. GRCh37 (hg19) VCF-style: chr1-151397512-G-A.
Other names: c.1077C>T, p.Asp359= (NM_001194937.2); c.918C>T, p.Asp306= (NM_001194938.2); c.819C>T, p.Asp273= (NM_145796.4); c.945C>T, p.Asp315= (NM_207171.2).
Identifiers: ClinVar variation 1270223 (VCV001270223.29), dbSNP rs557650703, ClinGen allele CA1091490.